The following is an entry in ClinVar:

ClinVar aggregate classification (germline): Pathogenic (1 of 4 stars; one submission).

Submission:

Labcorp Genetics (formerly Invitae), Labcorp
Classification: Pathogenic. Last evaluated: 2023-03-27. Review status: criteria provided, single submitter. Criteria: Invitae Variant Classification Sherloc (09022015). Collection method: clinical testing. Allele origin: unknown.
Comment: For these reasons, this variant has been classified as Pathogenic. This variant has not been reported in the literature in individuals affected with CCDC115-related conditions. This variant is a gross deletion of the genomic region encompassing exon(s) 1-4 of the CCDC115 gene, which includes the initiator codon. This deletion extends beyond the assayed region for this gene and therefore may encompass additional genes. It is expected to result in an absent or disrupted protein product. Loss-of-function variants in CCDC115 are known to be pathogenic (PMID: 26833332, 29759592).

Literature cited by the submitters: PubMed 26833332; PubMed 29759592.

NC_000002.11:g.(?_131098461)_(131099698_?)del

Gene: CCDC115 (coiled-coil domain containing 115; minus strand). Cytogenetic location: 2q21.1.
Variant type: Deletion.
Identifiers: ClinVar variation 3247572 (VCV003247572.1).